The following is an entry in ClinVar:

NM_006587.4(CORIN):c.3025G>A (p.Val1009Ile)

Gene: CORIN (corin, serine peptidase; minus strand). Cytogenetic location: 4p12.
Variant type: single nucleotide variant.
Coding change: c.3025G>A on transcript NM_006587.4 (MANE Select); coding-DNA position 3025, G replaced by A.
Protein change: p.Val1009Ile; replaces valine 1009 with isoleucine.
Molecular consequence: missense variant.
Genome position (GRCh38, 1-based): chr4:47,595,825, C>T on the plus strand (G>A on the coding strand, the complement: CORIN is on the minus strand). VCF-style: chr4-47595825-C-T. GRCh37 (hg19) VCF-style: chr4-47597842-C-T.
Other names: c.2713G>A, p.Val905Ile (NM_001278585.2); short protein forms V1009I, V905I.
Identifiers: ClinVar variation 4874902 (VCV004874902.2).

ClinVar aggregate classification (germline): Likely benign (1 of 4 stars; one submission).

gnomAD v4.1: 9 of 1,613,698 alleles (0.00056%); highest among the groups gnomAD compares: Middle Eastern, 0.016%; no homozygotes.

Submission:

CeGaT Center for Human Genetics Tuebingen
Classification: Likely benign. Last evaluated: 2026-05-01. Review status: criteria provided, single submitter. Criteria: CeGaT Center For Human Genetics Tuebingen Variant Classification Criteria Version 2. Collection method: clinical testing. Allele origin: germline. Affected: yes. Observed: 1 variant allele.
Comment: CORIN: BP4